The following is an entry in ClinVar:

ClinVar aggregate classification (germline): Conflicting classifications of pathogenicity. Review status: criteria provided, conflicting classifications (1 of 4 stars). 7 submissions from 7 submitters: Pathogenic (1); Likely pathogenic (2); Uncertain significance (4). Last evaluated 2026-09-16.

Conditions:
HSPB1-related disorder. Also called: HSPB1-related condition; HSPB1-related disorders.
Charcot-Marie-Tooth disease axonal type 2F (CMT2F). Also called: Charcot-Marie-Tooth Neuropathy Type 2F; CHARCOT-MARIE-TOOTH DISEASE, NEURONAL, TYPE 2F. Identifiers: Orphanet 99940, MedGen C1847823, MONDO:0011687, OMIM 606595.

Submissions (7):

PreventionGenetics, part of Exact Sciences
Classification: Likely pathogenic for HSPB1-related condition. Last evaluated: 2026-09-16. Review status: criteria provided, single submitter. Criteria: ACMG Guidelines, 2015. Collection method: clinical testing. Allele origin: germline.
Comment: The HSPB1 c.438dupC variant is predicted to result in a frameshift and premature protein termination (p.Gly147Argfs*14). This variant resides in the final exon of this gene, and it is unclear if the resulting mRNA would undergo nonsense-mediated decay. However, several other nearby frameshift variants in this region have been reported in patients with HSPB1-related disorders (c.505_506dup (p.Met169Ilefs*5) in Laššuthová. 2016. PubMed ID: 27549087; c.505del (p.(Met169Cysfs*4) in DiVincenzo. 2014. PubMed ID: 25614874; c.476_477del (p.Pro159Argfs*42) in Mandich. 2010. PubMed ID: 19435728). To our knowledge, this variant has not been reported in the literature. This variant is reported in 0.011% of alleles in individuals of Latino descent in gnomAD. This variant is interpreted as likely pathogenic.

OLLIN Analises Genomicas, OLLIN
Classification: Uncertain significance. Last evaluated: 2026-08-06. Review status: criteria provided, single submitter. Criteria: ACMG Guidelines 2015 PMID 25741868. Collection method: clinical testing. Allele origin: germline.
Comment: This frameshift variant, located in exon 3 (of 3), has been reported in ClinVar (accession VCV000916358.50) and in gnomAD with an allele frequency of 0.0037%. However, to our knowledge, it has not been reported in the scientific literature. This variant causes a frameshift and introduces a premature stop codon, which is predicted to result in either a truncated protein or degradation of the mRNA via nonsense-mediated decay (NMD). According to the currently available evidence, this variant has been classified as uncertain significance (PVS1_S).

CeGaT Center for Human Genetics Tuebingen
Classification: Likely pathogenic. Last evaluated: 2026-08-01. Review status: criteria provided, single submitter. Criteria: CeGaT Center For Human Genetics Tuebingen Variant Classification Criteria Version 2. Collection method: clinical testing. Allele origin: germline. Affected: yes. Observed: 2 variant alleles.
Comment: HSPB1: PVS1:Strong, PM2, PS4:Moderate

Labcorp Genetics (formerly Invitae), Labcorp
Classification: Pathogenic for Charcot-Marie-Tooth disease axonal type 2F. Last evaluated: 2025-07-25. Review status: criteria provided, single submitter. Criteria: Invitae Variant Classification Sherloc (09022015). Collection method: clinical testing. Allele origin: germline.
Comment: This sequence change creates a premature translational stop signal (p.Gly147Argfs*14) in the HSPB1 gene. While this is not anticipated to result in nonsense mediated decay, it is expected to disrupt the last 59 amino acid(s) of the HSPB1 protein. This variant is present in population databases (rs747325717, gnomAD 0.01%). This variant has not been reported in the literature in individuals affected with HSPB1-related conditions. ClinVar contains an entry for this variant (Variation ID: 916358). This variant is located in a region of the HSPB1 protein where a significant number of HSPB1 nonsense and frameshift mutations have been reported in association with autosomal dominant HSPB1-related neuropathies (PMID: 22734906, 28144995, 33686258). For these reasons, this variant has been classified as Pathogenic.

Athena Diagnostics
Classification: Uncertain significance. Last evaluated: 2022-12-22. Review status: criteria provided, single submitter. Criteria: Athena Diagnostics Criteria. Collection method: clinical testing. Allele origin: unknown.
Comment: Available data are insufficient to determine the clinical significance of the variant at this time. In the context of this gene, the nature of this variant on its own does not support pathogenicity. However, the variant is located in a region that may be important for protein function and/or structure. The frequency of this variant in the general population is higher than would generally be expected for pathogenic variants in this gene. This variant creates a premature stop codon resulting in a truncated HSPB1. Similar truncating variants in this gene have been reported in cases of axonal Charcot-Marie-Tooth disease (PMID: 32334137, 26675522).

Mendelics
Classification: Uncertain significance. Last evaluated: 2022-05-04. Review status: criteria provided, single submitter. Criteria: Mendelics Assertion Criteria 2019. Collection method: clinical testing. Allele origin: germline.

GeneDx
Classification: Uncertain significance. Last evaluated: 2019-07-24. Review status: criteria provided, single submitter. Criteria: GeneDx Variant Classification Process June 2021. Collection method: clinical testing. Allele origin: germline. Affected: yes.
Comment: Frameshift variant in the C-terminus predicted to result in protein truncation, as the last 59 amino acids are lost and replaced with 13 incorrect amino acids (Stenson et al., 2014); Has not been previously published as pathogenic or benign to our knowledge

Literature cited by the submitters: PubMed 22734906 (cited by Labcorp Genetics (formerly Invitae), Labcorp); PubMed 28144995 (cited by Labcorp Genetics (formerly Invitae), Labcorp); PubMed 33686258 (cited by Labcorp Genetics (formerly Invitae), Labcorp); PubMed 26046366 (cited by Athena Diagnostics).

NM_001540.5(HSPB1):c.438dup (p.Gly147fs)

Gene: HSPB1 (heat shock protein family B (small) member 1; plus strand). Cytogenetic location: 7q11.23.
Variant type: Duplication.
Coding change: c.438dup on transcript NM_001540.5 (MANE Select); coding-DNA position 438, one base duplicated (C; older notation c.438dupC).
Protein change: p.Gly147fs; shifts the reading frame from glycine 147.
Molecular consequence: frameshift variant.
Genome position (GRCh38, 1-based): chr7:76,303,993, C duplicated; the last of 6 consecutive C bases (chr7:76,303,988-76,303,993); duplicating any one gives the same sequence. VCF-style (leftmost placement, unchanged base first): chr7-76303987-G-GC. GRCh37 (hg19) VCF-style: chr7-75933304-G-GC.
Other names: c.438dupC (NM_001540.3); short protein forms G147fs.
Identifiers: ClinVar variation 916358 (VCV000916358.52), dbSNP rs747325717, ClinGen allele CA4306419.